The following is an entry in ClinVar:

NM_001364905.1(LRBA):c.3698C>G (p.Ser1233Cys)

Gene: LRBA (LPS responsive beige-like anchor protein; minus strand). Cytogenetic location: 4q31.3.
Variant type: single nucleotide variant.
Coding change: c.3698C>G on transcript NM_001364905.1 (MANE Select); coding-DNA position 3698, C replaced by G.
Protein change: p.Ser1233Cys; replaces serine 1233 with cysteine.
Molecular consequence: missense variant.
Genome position (GRCh38, 1-based): chr4:150,852,012, G>C on the plus strand (C>G on the coding strand, the complement: LRBA is on the minus strand). VCF-style: chr4-150852012-G-C. GRCh37 (hg19) VCF-style: chr4-151773164-G-C.
Other names: c.3698C>G, p.Ser1233Cys (NM_001199282.3, NM_001367550.1, NM_006726.5); short protein forms S1233C.
Identifiers: ClinVar variation 2055536 (VCV002055536.4), dbSNP rs2546498841, ClinGen allele CA358456482.
Genomic context (GRCh38, chr4:150,852,012, plus strand): 5'-GTATCTGTAGCAACATTGGAAACATCCAACTTCGCAATCTTTTGCTCAGAAGAAGCCTCA[G>C]AGACACTACCATGACAATCATTAATTAATTTGGTTTCTCTAGTGAGGTTAGTTGCTTTCT-3'
Protein context (NP_001351834.1, residues 1223-1243): KLINDCHGSV[Ser1233Cys]EASSEQKIAK

ClinVar aggregate classification (germline): Uncertain significance (1 of 4 stars; one submission).

Conditions:
Combined immunodeficiency due to LRBA deficiency. Also called: Common variable immunodeficiency 8, with autoimmunity. Identifiers: Orphanet 445018, MedGen C3553512, MONDO:0013863, OMIM 614700.

Submission:

Labcorp Genetics (formerly Invitae), Labcorp
Classification: Uncertain significance for Combined immunodeficiency due to LRBA deficiency. Last evaluated: 2022-11-14. Review status: criteria provided, single submitter. Criteria: Invitae Variant Classification Sherloc (09022015). Collection method: clinical testing. Allele origin: germline.
Comment: This sequence change replaces serine, which is neutral and polar, with cysteine, which is neutral and slightly polar, at codon 1233 of the LRBA protein (p.Ser1233Cys). This variant is not present in population databases (gnomAD no frequency). This variant has not been reported in the literature in individuals affected with LRBA-related conditions. Algorithms developed to predict the effect of missense changes on protein structure and function (SIFT, PolyPhen-2, Align-GVGD) all suggest that this variant is likely to be tolerated. In summary, the available evidence is currently insufficient to determine the role of this variant in disease. Therefore, it has been classified as a Variant of Uncertain Significance.